The following is an entry in ClinVar:

ClinVar aggregate classification (germline): Likely benign (0 of 4 stars; one submission).

Conditions:
BDH1-related disorder. Also called: BDH1-related condition.

Allele frequency attached by ClinVar (database versions not stated): ExAC 0.00008; ESP Exome Variant Server 0.00008; gnomAD 0.00008; gnomAD exomes 0.00008; TOPMed 0.00012.
gnomAD v4.1: 127 of 1,605,762 alleles (0.0079%); highest among the groups gnomAD compares: Admixed American, 0.035%; no homozygotes.

Submission:

PreventionGenetics, part of Exact Sciences
Classification: Likely benign for BDH1-related condition. Last evaluated: 2019-08-16. Review status: no assertion criteria provided. Collection method: clinical testing. Allele origin: germline.
Comment: This variant is classified as likely benign based on ACMG/AMP sequence variant interpretation guidelines (Richards et al. 2015 PMID: 25741868, with internal and published modifications).

NM_203314.3(BDH1):c.267+9C>T

Gene: BDH1 (3-hydroxybutyrate dehydrogenase 1). Cytogenetic location: 3q29.
Variant type: single nucleotide variant.
Coding change: c.267+9C>T on transcript NM_203314.3 (MANE Select); 9 bases into the intron after coding-DNA position 267, C replaced by T.
Molecular consequence: intron variant.
Genome position (GRCh38, 1-based): chr3:197,532,403, G>A on the plus strand (C>T on the coding strand, the complement: BDH1 is on the minus strand). VCF-style: chr3-197532403-G-A. GRCh37 (hg19) VCF-style: chr3-197259274-G-A.
Other names: c.267+9C>T (NM_203315.3, NM_004051.5).
Identifiers: ClinVar variation 3053006 (VCV003053006.2), dbSNP rs372692279, ClinGen allele CA2786236.
Genomic context (GRCh38, chr3:197,532,403, plus strand): 5'-TTTTTAAAAGACTAAAAAACAATGACTATGTGTAAAAGACAATGGTGAAGAAGATAACTC[G>A]TCTCTTACCTTCATCAAGCAGCCAGCAAACACAAGGAAGCCTTTTGAATGCAGATGCTTG-3'